The following is an entry in ClinVar:

ClinVar aggregate classification (germline): Uncertain significance. Review status: criteria provided, single submitter (1 of 4 stars). 2 submissions from 2 submitters: Uncertain significance (1). 1 of the submissions does not count toward it. Last evaluated 2026-02-11.

Conditions:
Monosomy 7 myelodysplasia and leukemia syndrome 2. Identifiers: MedGen C5436668, MONDO:0030801, OMIM 619041.

Submissions (2):

St. Jude Molecular Pathology, St. Jude Children's Research Hospital
Classification: Uncertain significance for Monosomy 7 myelodysplasia and leukemia syndrome 2. Last evaluated: 2026-02-11. Review status: criteria provided, single submitter. Criteria: St. Jude Assertion Criteria 2020. Collection method: clinical testing. Allele origin: germline.
Comment: The SAMD9 c.3100_3102delinsTTT; p.(Leu1034Phe) change is a deletion of 3 base pairs and an insertion of 3 base pairs, resulting in a missense change that is absent in gnomAD v2.1.1. A single nucleotide variant resulting in the same protein change, c.3100C>T; p.(Leu1034Phe), is predicted to have a benign effect on protein function by the in silico tool REVEL; however, in silico predictions have not been found to correlate with syndromic risk for SAMD9 variants and are thus not considered supporting evidence of a pathogenic or benign effect (PMID: 34621053). To our knowledge, this variant has not been reported in individuals with SAMD9-associated conditions. In summary, the evidence currently available is insufficient to determine the clinical significance of this variant. It has therefore been classified as of uncertain significance.

Genetic Services Laboratory, University of Chicago
Classification: Uncertain significance. Last evaluated: 2022-02-16. Review status: no assertion criteria provided. Collection method: clinical testing. Allele origin: germline. Affected: no. Not counted in ClinVar's aggregate classification.
Comment: DNA sequence analysis of the SAMD9 demonstrated a deletion of 3 and insertion of 3 base pairs in exon 3, c.3100_3102delinsTTT. This in-frame deletion/insertion creates a missense change at position 1034, p.Leu1034Phe. This sequence change does not appear to have been previously described in individuals with SAMD9 -related disorders and has not been described in population databases such as ExAC and gnomAD. The functional significance of this sequence change is not known at present and its contribution to this individual's disease phenotype cannot definitively be determined.

NM_017654.4(SAMD9):c.3100_3102delinsTTT (p.Leu1034Phe)

Gene: SAMD9 (sterile alpha motif domain containing 9; minus strand). Cytogenetic location: 7q21.2.
Variant type: Indel.
Coding change: c.3100_3102delinsTTT on transcript NM_017654.4 (MANE Select); coding-DNA positions 3100 to 3102, CTC replaced by TTT.
Protein change: p.Leu1034Phe; replaces leucine 1034 with phenylalanine.
Molecular consequence: missense variant.
Genome position (GRCh38, 1-based): chr7:93,102,996-93,102,998, GAG replaced by AAA on the plus strand (CTC replaced by TTT on the coding strand, the reverse complement: SAMD9 is on the minus strand). VCF-style: chr7-93102996-GAG-AAA. GRCh37 (hg19) VCF-style: chr7-92732309-GAG-AAA.
Other names: c.3100_3102delinsTTT, p.Leu1034Phe (NM_001193307.2); short protein forms L1034F.
Identifiers: ClinVar variation 2443250 (VCV002443250.3), dbSNP rs2535356529, ClinGen allele CA2580077974.
Genomic context (GRCh38, chr7:93,102,996, plus strand): 5'-AAATGGGGAAAACCAATTTCCTGTTTCACCTTCATGTTCATCGCGGTGTCTTGTGAGTAG[GAG>AAA]TGTGTGCATATCTTGCAAAAATTTACTTTTTCCCATACCAGTATCGAAGAACAAATTCTC-3'
Protein context (NP_060124.2, residues 1024-1044): KSKFLQDMHT[Leu1034Phe]LLTRHRDEHE